The following is an entry in ClinVar:

NM_007146.3(VEZF1):c.1041G>A (p.Gln347=)

Gene: VEZF1 (vascular endothelial zinc finger 1; minus strand). Cytogenetic location: 17q22.
Variant type: single nucleotide variant.
Coding change: c.1041G>A on transcript NM_007146.3 (MANE Select); coding-DNA position 1041, G replaced by A.
Protein change: p.Gln347=; no amino-acid change (glutamine 347 retained).
Molecular consequence: synonymous variant.
Genome position (GRCh38, 1-based): chr17:57,979,249, C>T on the plus strand (G>A on the coding strand, the complement: VEZF1 is on the minus strand). VCF-style: chr17-57979249-C-T. GRCh37 (hg19) VCF-style: chr17-56056610-C-T.
Other names: c.1014G>A, p.Gln338= (NM_001330393.2).
Identifiers: ClinVar variation 2647953 (VCV002647953.24), dbSNP rs749225073, ClinGen allele CA8667406.

ClinVar aggregate classification (germline): Likely benign (1 of 4 stars; one submission).

Allele frequency attached by ClinVar (database versions not stated): gnomAD exomes 0.00002; ExAC 0.00006; gnomAD 0.00007.
gnomAD v4.1: 34 of 1,571,438 alleles (0.0022%); highest among the groups gnomAD compares: African/African-American, 0.02%; no homozygotes.

Submission:

CeGaT Center for Human Genetics Tuebingen
Classification: Likely benign. Last evaluated: 2023-09-01. Review status: criteria provided, single submitter. Criteria: CeGaT Center For Human Genetics Tuebingen Variant Classification Criteria Version 2. Collection method: clinical testing. Allele origin: germline. Affected: yes. Observed: 1 variant allele.
Comment: VEZF1: BP4, BP7, BS2